The following is an entry in ClinVar:

ClinVar aggregate classification (germline): Uncertain significance (1 of 4 stars; one submission).

Submission:

Labcorp Genetics (formerly Invitae), Labcorp
Classification: Uncertain significance. Last evaluated: 2024-10-22. Review status: criteria provided, single submitter. Criteria: Invitae Variant Classification Sherloc (09022015). Collection method: clinical testing. Allele origin: germline.
Comment: This sequence change replaces glutamic acid, which is acidic and polar, with glycine, which is neutral and non-polar, at codon 418 of the P4HB protein (p.Glu418Gly). This variant is not present in population databases (gnomAD no frequency). This variant has not been reported in the literature in individuals affected with P4HB-related conditions. Invitae Evidence Modeling of protein sequence and biophysical properties (such as structural, functional, and spatial information, amino acid conservation, physicochemical variation, residue mobility, and thermodynamic stability) indicates that this missense variant is not expected to disrupt P4HB protein function with a negative predictive value of 80%. In summary, the available evidence is currently insufficient to determine the role of this variant in disease. Therefore, it has been classified as a Variant of Uncertain Significance.

NM_000918.4(P4HB):c.1253A>G (p.Glu418Gly)

Gene: P4HB (prolyl 4-hydroxylase subunit beta; minus strand). Cytogenetic location: 17q25.3.
Variant type: single nucleotide variant.
Coding change: c.1253A>G on transcript NM_000918.4 (MANE Select); coding-DNA position 1253, A replaced by G.
Protein change: p.Glu418Gly; replaces glutamic acid 418 with glycine.
Molecular consequence: missense variant.
Genome position (GRCh38, 1-based): chr17:81,845,667, T>C on the plus strand (A>G on the coding strand, the complement: P4HB is on the minus strand). VCF-style: chr17-81845667-T-C. GRCh37 (hg19) VCF-style: chr17-79803543-T-C.
Other names: short protein forms E418G.
Identifiers: ClinVar variation 2756185 (VCV002756185.3), dbSNP rs2143315468, ClinGen allele CA401506658.